The following is an entry in ClinVar:

ClinVar aggregate classification (germline): Conflicting classifications of pathogenicity. Review status: criteria provided, conflicting classifications (1 of 4 stars). 3 submissions from 3 submitters: Uncertain significance (2); Likely benign (1). Last evaluated 2024-05-31.

Conditions:
Hereditary cancer-predisposing syndrome. Also called: Tumor predisposition; Hereditary neoplastic syndrome; Neoplastic Syndromes, Hereditary; Hereditary Cancer Syndrome. Identifiers: Orphanet 140162, MedGen C0027672, MeSH D009386, MONDO:0015356.
Hereditary breast ovarian cancer syndrome. Also called: Hereditary breast and ovarian cancer syndrome; Hereditary breast and/or ovarian cancer syndrome; Hereditary breast and ovarian cancer; Breast and ovarian cancer; Hereditary breast and ovarian cancer syndrome (HBOC); BRCA1- and BRCA2-Associated Hereditary Breast and Ovarian Cancer. Identifiers: Orphanet 145, MedGen C0677776, MeSH D061325, MONDO:0003582. Disease mechanism: loss of function.

Submissions (3):

Ambry Genetics
Classification: Uncertain significance for Hereditary cancer-predisposing syndrome. Last evaluated: 2024-05-31. Review status: criteria provided, single submitter. Criteria: Ambry Variant Classification Scheme 2023. Collection method: clinical testing. Allele origin: germline.
Comment: The p.R629S variant (also known as c.1887A>C), located in coding exon 9 of the BRCA1 gene, results from an A to C substitution at nucleotide position 1887. The arginine at codon 629 is replaced by serine, an amino acid with dissimilar properties. This amino acid position is conserved. In addition, the in silico prediction for this alteration is inconclusive. Based on the available evidence, the clinical significance of this variant remains unclear.

University of Washington Department of Laboratory Medicine, University of Washington
Classification: Likely benign for Hereditary cancer-predisposing syndrome. Last evaluated: 2023-03-23. Review status: criteria provided, single submitter. Criteria: Dines et al. (Genet Med. 2020). Collection method: curation. Allele origin: germline.
Comment: Missense variant in a coldspot region where missense variants are very unlikely to be pathogenic (PMID:31911673).

BRCA1 coldspot (exon 11 using historical exon numbering). Reclassification based on statistical prior probability

Labcorp Genetics (formerly Invitae), Labcorp
Classification: Uncertain significance for Hereditary breast ovarian cancer syndrome. Last evaluated: 2021-11-13. Review status: criteria provided, single submitter. Criteria: Invitae Variant Classification Sherloc (09022015). Collection method: clinical testing. Allele origin: germline.
Comment: This variant has not been reported in the literature in individuals affected with BRCA1-related conditions. In summary, the available evidence is currently insufficient to determine the role of this variant in disease. Therefore, it has been classified as a Variant of Uncertain Significance. Advanced modeling of protein sequence and biophysical properties (such as structural, functional, and spatial information, amino acid conservation, physicochemical variation, residue mobility, and thermodynamic stability) performed at Invitae indicates that this missense variant is not expected to disrupt BRCA1 protein function. This variant is not present in population databases (gnomAD no frequency). This sequence change replaces arginine, which is basic and polar, with serine, which is neutral and polar, at codon 629 of the BRCA1 protein (p.Arg629Ser).

NM_007294.4(BRCA1):c.1887A>C (p.Arg629Ser)

Gene: BRCA1 (BRCA1 DNA repair associated; minus strand). Cytogenetic location: 17q21.31.
Variant type: single nucleotide variant.
Coding change: c.1887A>C on transcript NM_007294.4 (MANE Select); coding-DNA position 1887, A replaced by C.
Protein change: p.Arg629Ser; replaces arginine 629 with serine.
Molecular consequence: missense variant. On other transcripts: intron variant (137).
Genome position (GRCh38, 1-based): chr17:43,093,644, T>G on the plus strand (A>C on the coding strand, the complement: BRCA1 is on the minus strand). VCF-style: chr17-43093644-T-G. GRCh37 (hg19) VCF-style: chr17-41245661-T-G.
Other names: c.1746A>C, p.Arg582Ser (NM_001407724.1, NM_001407725.1, NM_001407726.1 and 29 more transcripts); c.1743A>C, p.Arg581Ser (NM_001407740.1, NM_001407741.1, NM_001407742.1 and 20 more transcripts); c.1674A>C, p.Arg558Ser (NM_001407571.1, NM_001407853.1, NM_001407894.1 and 9 more transcripts); c.1887A>C, p.Arg629Ser (NM_001407581.1, NM_001407582.1, NM_001407583.1 and 30 more transcripts); c.1884A>C, p.Arg628Ser (NM_001407587.1, NM_001407590.1, NM_001407591.1 and 22 more transcripts); c.1878A>C, p.Arg626Ser (NM_001407646.1, NM_001407647.1); c.1764A>C, p.Arg588Ser (NM_001407648.1, NM_001407664.1, NM_001407665.1 and 19 more transcripts); c.1761A>C, p.Arg587Ser (NM_001407649.1, NM_001407670.1, NM_001407671.1 and 11 more transcripts); and 40 more; short protein forms R582S, R629S, R333S, R501S, R517S, R518S, R558S, R559S.
Identifiers: ClinVar variation 1428761 (VCV001428761.10), dbSNP rs2154413792, ClinGen allele CA10598248.